The following is an entry in ClinVar:

ClinVar aggregate classification (germline): Uncertain significance (1 of 4 stars; one submission).

Submission:

Ambry Genetics
Classification: Uncertain significance. Last evaluated: 2026-03-23. Review status: criteria provided, single submitter. Criteria: Ambry Variant Classification Scheme 2023. Collection method: clinical testing. Allele origin: germline.
Comment: The p.S395A variant (also known as c.1183T>G), located in coding exon 8 of the ATRIP gene, results from a T to G substitution at nucleotide position 1183. The serine at codon 395 is replaced by alanine, an amino acid with similar properties. This amino acid position is conserved. In addition, this alteration is predicted to be tolerated by in silico analysis. Based on the available evidence, the clinical significance of this variant remains unclear.

NM_130384.3(ATRIP):c.1183T>G (p.Ser395Ala)

Genes: ATRIP (ATR interacting protein; plus strand), ATRIP-TREX1 (ATRIP-TREX1 readthrough; plus strand). Cytogenetic location: 3p21.31.
Variant type: single nucleotide variant.
Coding change: c.1183T>G on transcript NM_130384.3 (MANE Select); coding-DNA position 1183, T replaced by G.
Protein change: p.Ser395Ala; replaces serine 395 with alanine.
Molecular consequence: missense variant. On other transcripts: non-coding transcript variant (1).
Genome position (GRCh38, 1-based): chr3:48,460,237, T>G. VCF-style: chr3-48460237-T-G. GRCh37 (hg19) VCF-style: chr3-48501636-T-G.
Other names: c.802T>G, p.Ser268Ala (NM_001271022.2); c.904T>G, p.Ser302Ala (NM_001271023.2); c.1183T>G, p.Ser395Ala (NM_032166.4); short protein forms S268A, S302A, S395A.
Identifiers: ClinVar variation 4867190 (VCV004867190.1).
Genomic context (GRCh38, chr3:48,460,237, plus strand): 5'-CTGAGAGAAGCACAGAACCTGGCATTCACTGGACTGAATCTGGTTGCCCGGAATGAGTGC[T>G]CACGTGATGGAGACCCAGCAGAGGGAGGCAGAAGGGCCTTCCCACTCTGCCAGCTTCCTG-3'
Protein context (NP_569055.1, residues 385-405): GLNLVARNEC[Ser395Ala]RDGDPAEGGR